The following is an entry in ClinVar:

ClinVar aggregate classification (germline): Uncertain significance (1 of 4 stars; one submission).

Conditions:
Aicardi-Goutieres syndrome 7 (AGS7). Identifiers: Orphanet 51, MedGen C3888244, MONDO:0014367, OMIM 615846.
Singleton-Merten syndrome 1 (SGMRT1). Also called: Widened medullary cavities of bone, aortic calcification, abnormal dentition, and muscular weakness; Syndrome of widened medullary cavities of the metacarpals and phalanges, aortic calcification and abnormal dentition. Identifiers: Orphanet 85191, MedGen C4225427, MONDO:0024535, OMIM 182250.

Submission:

Labcorp Genetics (formerly Invitae), Labcorp
Classification: Uncertain significance for Aicardi-Goutieres syndrome 7; Singleton-Merten syndrome 1. Last evaluated: 2024-07-21. Review status: criteria provided, single submitter. Criteria: Invitae Variant Classification Sherloc (09022015). Collection method: clinical testing. Allele origin: germline.
Comment: This sequence change replaces threonine, which is neutral and polar, with isoleucine, which is neutral and non-polar, at codon 76 of the IFIH1 protein (p.Thr76Ile). This variant is not present in population databases (gnomAD no frequency). This variant has not been reported in the literature in individuals affected with IFIH1-related conditions. Advanced modeling of protein sequence and biophysical properties (such as structural, functional, and spatial information, amino acid conservation, physicochemical variation, residue mobility, and thermodynamic stability) has been performed at Invitae for this missense variant, however the output from this modeling did not meet the statistical confidence thresholds required to predict the impact of this variant on IFIH1 protein function. In summary, the available evidence is currently insufficient to determine the role of this variant in disease. Therefore, it has been classified as a Variant of Uncertain Significance.

NM_022168.4(IFIH1):c.227C>T (p.Thr76Ile)

Gene: IFIH1 (interferon induced with helicase C domain 1; minus strand). Cytogenetic location: 2q24.2.
Variant type: single nucleotide variant.
Coding change: c.227C>T on transcript NM_022168.4 (MANE Select); coding-DNA position 227, C replaced by T.
Protein change: p.Thr76Ile; replaces threonine 76 with isoleucine.
Molecular consequence: missense variant.
Genome position (GRCh38, 1-based): chr2:162,318,081, G>A on the plus strand (C>T on the coding strand, the complement: IFIH1 is on the minus strand). VCF-style: chr2-162318081-G-A. GRCh37 (hg19) VCF-style: chr2-163174591-G-A.
Other names: short protein forms T76I.
Identifiers: ClinVar variation 2946224 (VCV002946224.3), dbSNP rs2469005982, ClinGen allele CA349013806.